The following is an entry in ClinVar:

NM_153603.4(COG7):c.211C>T (p.Arg71Cys)

Gene: COG7 (component of oligomeric golgi complex 7; minus strand). Cytogenetic location: 16p12.2.
Variant type: single nucleotide variant.
Coding change: c.211C>T on transcript NM_153603.4 (MANE Select); coding-DNA position 211, C replaced by T.
Protein change: p.Arg71Cys; replaces arginine 71 with cysteine.
Molecular consequence: missense variant.
Genome position (GRCh38, 1-based): chr16:23,445,920, G>A on the plus strand (C>T on the coding strand, the complement: COG7 is on the minus strand). VCF-style: chr16-23445920-G-A. GRCh37 (hg19) VCF-style: chr16-23457241-G-A.
Other names: short protein forms R71C.
Identifiers: ClinVar variation 2079542 (VCV002079542.4), dbSNP rs771889882, ClinGen allele CA7961359.

ClinVar aggregate classification (germline): Uncertain significance (1 of 4 stars; one submission).

Conditions:
COG7 congenital disorder of glycosylation (CDG2E). Also called: CONGENITAL DISORDER OF GLYCOSYLATION, TYPE IIe; CDG IIe. Identifiers: Orphanet 79333, MedGen C2931010, MONDO:0012118, OMIM 608779.

Allele frequency attached by ClinVar (database versions not stated): gnomAD exomes 0.00001; ExAC 0.00002; TOPMed 0.00002; gnomAD 0.00003.

Submission:

Labcorp Genetics (formerly Invitae), Labcorp
Classification: Uncertain significance for COG7 congenital disorder of glycosylation. Last evaluated: 2022-05-27. Review status: criteria provided, single submitter. Criteria: Invitae Variant Classification Sherloc (09022015). Collection method: clinical testing. Allele origin: germline.
Comment: Algorithms developed to predict the effect of missense changes on protein structure and function are either unavailable or do not agree on the potential impact of this missense change (SIFT: "Deleterious"; PolyPhen-2: "Possibly Damaging"; Align-GVGD: "Class C0"). In summary, the available evidence is currently insufficient to determine the role of this variant in disease. Therefore, it has been classified as a Variant of Uncertain Significance. This variant has not been reported in the literature in individuals affected with COG7-related conditions. This variant is present in population databases (rs771889882, gnomAD 0.006%). This sequence change replaces arginine, which is basic and polar, with cysteine, which is neutral and slightly polar, at codon 71 of the COG7 protein (p.Arg71Cys).